The following is an entry in ClinVar:

ClinVar aggregate classification (germline): Pathogenic. Review status: criteria provided, multiple submitters, no conflicts (2 of 4 stars). 2 submissions from 2 submitters: Pathogenic (2). Last evaluated 2025-03-21.

Allele frequency attached by ClinVar (database versions not stated): gnomAD 0.00001.

Submissions (2):

Revvity Omics, Revvity
Classification: Pathogenic. Last evaluated: 2025-03-21. Review status: criteria provided, single submitter. Criteria: ACMG Guidelines, 2015. Collection method: clinical testing. Allele origin: germline.

Labcorp Genetics (formerly Invitae), Labcorp
Classification: Pathogenic. Last evaluated: 2021-10-21. Review status: criteria provided, single submitter. Criteria: Invitae Variant Classification Sherloc (09022015). Collection method: clinical testing. Allele origin: germline.
Comment: For these reasons, this variant has been classified as Pathogenic. This variant is also known as p.Q41X. This premature translational stop signal has been observed in individuals with classic salt-wasting congenital adrenal hyperplasia due to 21-hydroxylase deficiency (PMID: 21609351). The frequency data for this variant in the population databases (ExAC) is considered unreliable due to the presence of homologous sequence, such as pseudogenes or paralogs, in the genome. This sequence change creates a premature translational stop signal (p.Gln42*) in the CYP21A2 gene. It is expected to result in an absent or disrupted protein product. Loss-of-function variants in CYP21A2 are known to be pathogenic (PMID: 10857554).

Literature cited by the submitters: PubMed 21609351 (cited by Labcorp Genetics (formerly Invitae), Labcorp); PubMed 10857554 (cited by Labcorp Genetics (formerly Invitae), Labcorp).

NM_000500.9(CYP21A2):c.124C>T (p.Gln42Ter)

Genes: CYP21A2 (cytochrome P450 family 21 subfamily A member 2; plus strand), LOC106780800 (CYP21A2 recombination region; plus strand). Cytogenetic location: 6p21.33.
Variant type: single nucleotide variant.
Coding change: c.124C>T on transcript NM_000500.9 (MANE Select); coding-DNA position 124, C replaced by T.
Protein change: p.Gln42Ter; replaces glutamine 42 with a stop codon.
Molecular consequence: nonsense. On other transcripts: 5 prime UTR variant (2).
Genome position (GRCh38, 1-based): chr6:32,038,546, C>T. VCF-style: chr6-32038546-C-T. GRCh37 (hg19) VCF-style: chr6-32006323-C-T.
Other names: c.124C>T, p.Gln42Ter (NM_001128590.4); c.-301C>T (NM_001368143.2); c.-211C>T (NM_001368144.2); short protein forms Q42*.
Identifiers: ClinVar variation 1458325 (VCV001458325.7), dbSNP rs1775996165, ClinGen allele CA363499105.
Genomic context (GRCh38, chr6:32,038,546, plus strand): 5'-TGGTGGAAGCTCCGGAGCCTCCACCTCCCGCCTCTTGCCCCGGGCTTCTTGCACCTGCTG[C>T]AGCCCGACCTCCCCATCTATCTGCTTGGCCTGACTCAGAAATTCGGGCCCATCTACAGGC-3'